The following is an entry in ClinVar:

ClinVar aggregate classification (germline): Pathogenic/Likely pathogenic. Review status: criteria provided, multiple submitters, no conflicts (2 of 4 stars). 5 submissions from 5 submitters: Pathogenic (2); Likely pathogenic (1). 2 of the submissions do not count toward it. Last evaluated 2025-03-12.

Conditions:
DNAJC21-related disorders.
Inherited bone marrow failure syndrome. Identifiers: MedGen C2986691.
Bone marrow failure syndrome 3 (BMFS3). Identifiers: MedGen C4310744, MONDO:0014887, OMIM 617052.

Allele frequency attached by ClinVar (database versions not stated): gnomAD 0.00001; gnomAD exomes 0.00001; TOPMed 0.00001; ESP Exome Variant Server 0.00008.
gnomAD v4.1: 35 of 1,613,908 alleles (0.0022%); highest among the groups gnomAD compares: East Asian, 0.0045%; no homozygotes.

Submissions (5):

Labcorp Genetics (formerly Invitae), Labcorp
Classification: Pathogenic. Last evaluated: 2025-03-12. Review status: criteria provided, single submitter. Criteria: Invitae Variant Classification Sherloc (09022015). Collection method: clinical testing. Allele origin: germline.
Comment: This sequence change creates a premature translational stop signal (p.Arg173*) in the DNAJC21 gene. It is expected to result in an absent or disrupted protein product. Loss-of-function variants in DNAJC21 are known to be pathogenic (PMID: 27346687, 28062395). This variant is present in population databases (rs150576702, gnomAD 0.01%). This premature translational stop signal has been observed in individual(s) with clinical features of DNAJC21-related conditions (PMID: 27346687). ClinVar contains an entry for this variant (Variation ID: 222064). For these reasons, this variant has been classified as Pathogenic.

GeneDx
Classification: Pathogenic. Last evaluated: 2024-06-12. Review status: criteria provided, single submitter. Criteria: GeneDx Variant Classification Process June 2021. Collection method: clinical testing. Allele origin: germline. Affected: yes.
Comment: Nonsense variant predicted to result in protein truncation or nonsense mediated decay in a gene for which loss of function is a known mechanism of disease; Published functional studies demonstrate this variant undergoes nonsense mediated decay and was used as a negative control in these studies (Tummala et al., 2016); This variant is associated with the following publications: (PMID: 27346687)

Blueprint Genetics
Classification: Likely pathogenic for DNAJC21-related disorders. Last evaluated: 2018-05-22. Review status: criteria provided, single submitter. Criteria: ACMG Guidelines, 2015. Collection method: clinical testing. Allele origin: germline. Affected: yes. Observed: 2 variant alleles.

OMIM
Classification: Pathogenic for BONE MARROW FAILURE SYNDROME 3. Last evaluated: 2016-07-28. Review status: no assertion criteria provided. Collection method: literature only. Allele origin: germline. Not counted in ClinVar's aggregate classification.

Bone Marrow Failure laboratory, Queen Mary University London
Classification: Pathogenic for Inherited bone marrow failure syndrome. Last evaluated: 2015-12-17. Review status: no assertion criteria provided. Collection method: research. Allele origin: unknown. Affected: yes. Observed: 1 variant allele, 1 homozygote. Not counted in ClinVar's aggregate classification.

Literature cited by the submitters: PubMed 27346687 (cited by 3 submitters); PubMed 28062395 (cited by Labcorp Genetics (formerly Invitae), Labcorp).

NM_001012339.3(DNAJC21):c.517C>T (p.Arg173Ter)

Gene: DNAJC21 (DnaJ heat shock protein family (Hsp40) member C21; plus strand). Cytogenetic location: 5p13.2.
Variant type: single nucleotide variant.
Coding change: c.517C>T on transcript NM_001012339.3 (MANE Select); coding-DNA position 517, C replaced by T.
Protein change: p.Arg173Ter; replaces arginine 173 with a stop codon.
Molecular consequence: nonsense.
Genome position (GRCh38, 1-based): chr5:34,937,404, C>T. VCF-style: chr5-34937404-C-T. GRCh37 (hg19) VCF-style: chr5-34937509-C-T.
Other names: c.517C>T, p.Arg173Ter (NM_001348420.2, NM_194283.4); short protein forms R173*.
Identifiers: ClinVar variation 222064 (VCV000222064.5), dbSNP rs150576702, ClinGen allele CA10575853.